The following is an entry in ClinVar:

ClinVar aggregate classification (germline): Conflicting classifications of pathogenicity. Review status: criteria provided, conflicting classifications (1 of 4 stars). 4 submissions from 4 submitters: Likely pathogenic (2); Uncertain significance (2). Last evaluated 2026-01-29.

Conditions:
PARN-related disorder. Also called: PARN-related condition; PARN-related disorders.
Pulmonary fibrosis and/or bone marrow failure, Telomere-related, 4. Also called: PULMONARY FIBROSIS AND/OR BONE MARROW FAILURE SYNDROME, TELOMERE-RELATED, 4. Identifiers: Orphanet 2032, MedGen C4225347, MONDO:0014612, OMIM 616371.
Dyskeratosis congenita, autosomal recessive 6 (DKCB6). Identifiers: MedGen C4225356, MONDO:0014600, OMIM 616353.
Inborn genetic diseases. Identifiers: MedGen C0950123, MeSH D030342.

Allele frequency attached by ClinVar (database versions not stated): gnomAD 0.00003 and 0.00004; TOPMed 0.00005.

Submissions (4):

Labcorp Genetics (formerly Invitae), Labcorp
Classification: Uncertain significance for Dyskeratosis congenita, autosomal recessive 6; Pulmonary fibrosis and/or bone marrow failure, Telomere-related, 4. Last evaluated: 2026-01-29. Review status: criteria provided, single submitter. Criteria: Invitae Variant Classification Sherloc (09022015). Collection method: clinical testing. Allele origin: germline.
Comment: This sequence change replaces arginine, which is basic and polar, with cysteine, which is neutral and slightly polar, at codon 150 of the PARN protein (p.Arg150Cys). This variant is present in population databases (rs777558836, gnomAD 0.008%). This missense change has been observed in individual(s) with PARN-associated conditions (PMID: 35771557). ClinVar contains an entry for this variant (Variation ID: 973231). Invitae Evidence Modeling of protein sequence and biophysical properties (such as structural, functional, and spatial information, amino acid conservation, physicochemical variation, residue mobility, and thermodynamic stability) indicates that this missense variant is not expected to disrupt PARN protein function with a negative predictive value of 80%. In summary, the available evidence is currently insufficient to determine the role of this variant in disease. Therefore, it has been classified as a Variant of Uncertain Significance.

Blueprint Genetics
Classification: Likely pathogenic for PARN-related disorders. Last evaluated: 2024-03-08. Review status: criteria provided, single submitter. Criteria: ACMG Guidelines, 2015. Collection method: clinical testing. Allele origin: germline. Affected: yes. Observed: 4 variant alleles.

Ambry Genetics
Classification: Uncertain significance for Inborn genetic diseases. Last evaluated: 2021-09-13. Review status: criteria provided, single submitter. Criteria: Ambry Variant Classification Scheme 2023. Collection method: clinical testing. Allele origin: germline.

Institute for Genomic Medicine (IGM) Clinical Laboratory, Nationwide Children's Hospital
Classification: Likely pathogenic for Dyskeratosis congenita, autosomal recessive 6. Last evaluated: 2017-05-31. Review status: criteria provided, single submitter. Criteria: ACMG Guidelines, 2015. Collection method: clinical testing. Allele origin: germline. Affected: yes.
Comment: [ACMG/AMP: PM1, PM2, PS3_Moderate, PP3] This alteration is located in a mutational hotspot and/or critical and well-established functional domain [PM1], is absent from or rarely observed in large-scale population databases [PM2], is supported by well-established in vitro or in vivo functional studies to have a damaging effect on protein function or splicing [PS3_Moderate], is predicted to be damaging by multiple functional prediction tools [PP3].

Literature cited by the submitters: PubMed 35771557 (cited by Labcorp Genetics (formerly Invitae), Labcorp).

NM_002582.4(PARN):c.448C>T (p.Arg150Cys)

Gene: PARN (poly(A)-specific ribonuclease; minus strand). Cytogenetic location: 16p13.12.
Variant type: single nucleotide variant.
Coding change: c.448C>T on transcript NM_002582.4 (MANE Select); coding-DNA position 448, C replaced by T.
Protein change: p.Arg150Cys; replaces arginine 150 with cysteine.
Molecular consequence: missense variant.
Genome position (GRCh38, 1-based): chr16:14,610,750, G>A on the plus strand (C>T on the coding strand, the complement: PARN is on the minus strand). VCF-style: chr16-14610750-G-A. GRCh37 (hg19) VCF-style: chr16-14704607-G-A.
Other names: c.265C>T, p.Arg89Cys (NM_001134477.3); c.310C>T, p.Arg104Cys (NM_001242992.2); short protein forms R104C, R150C, R89C.
Identifiers: ClinVar variation 973231 (VCV000973231.13), dbSNP rs777558836, ClinGen allele CA7912414.